The following is an entry in ClinVar:

NM_004667.6(HERC2):c.10456C>G (p.Pro3486Ala)

Gene: HERC2 (HECT and RLD domain containing E3 ubiquitin protein ligase 2; minus strand). Cytogenetic location: 15q13.1.
Variant type: single nucleotide variant.
Coding change: c.10456C>G on transcript NM_004667.6 (MANE Select); coding-DNA position 10456, C replaced by G.
Protein change: p.Pro3486Ala; replaces proline 3486 with alanine.
Molecular consequence: missense variant.
Genome position (GRCh38, 1-based): chr15:28,167,785, G>C on the plus strand (C>G on the coding strand, the complement: HERC2 is on the minus strand). VCF-style: chr15-28167785-G-C. GRCh37 (hg19) VCF-style: chr15-28412931-G-C.
Other names: short protein forms P3486A.
Identifiers: ClinVar variation 982625 (VCV000982625.1), dbSNP rs1894296633, ClinGen allele CA391377176.

ClinVar aggregate classification (germline): Uncertain significance (1 of 4 stars; one submission).

Conditions:
Developmental delay with autism spectrum disorder and gait instability (MRT38). Also called: Intellectual developmental disorder, autosomal recessive 38. Identifiers: Orphanet 329195, MedGen C3809753, MONDO:0014224, OMIM 615516.

Allele frequency attached by ClinVar (database versions not stated): gnomAD exomes below 0.00001; TOPMed below 0.00001.
gnomAD v4.1: 1 of 1,614,194 alleles (0.000062%); highest among the groups gnomAD compares: East Asian, 0.0022%; no homozygotes.

Submission:

Institute of Human Genetics, University of Leipzig Medical Center
Classification: Uncertain significance for Developmental delay with autism spectrum disorder and gait instability. Last evaluated: 2019-01-01. Review status: criteria provided, single submitter. Criteria: ACMG Guidelines, 2015. Collection method: clinical testing. Allele origin: unknown. Affected: no.
Comment: This variant was identified as compound heterozygous.